The following is an entry in ClinVar:

ClinVar aggregate classification (germline): Conflicting classifications of pathogenicity. Review status: criteria provided, conflicting classifications (1 of 4 stars). 7 submissions from 7 submitters: Uncertain significance (4); Likely benign (3). Last evaluated 2026-03-05.

Conditions:
TTN-related disorder. Also called: TTN-related condition; TTN-related disease; TTN-related disorders.
Autosomal recessive limb-girdle muscular dystrophy type 2J (LGMDR10). Also called: Limb-girdle muscular dystrophy, type 2J; MUSCULAR DYSTROPHY, LIMB-GIRDLE, AUTOSOMAL RECESSIVE 10. Identifiers: Orphanet 140922, MedGen C1837342, MONDO:0012127, OMIM 608807.
Dilated cardiomyopathy 1G (CMD1G). Identifiers: Orphanet 154, MedGen C1858763, MONDO:0011400, OMIM 604145.
Cardiovascular phenotype. Identifiers: MedGen CN230736.

Submissions (7):

Women's Health and Genetics/Laboratory Corporation of America, LabCorp
Classification: Likely benign. Last evaluated: 2026-03-05. Review status: criteria provided, single submitter. Criteria: LabCorp Variant Classification Summary - May 2015. Collection method: clinical testing. Allele origin: germline.
Comment: Variant summary: TTN c.44230_44232delGAA (p.Glu14744del) results in an in-frame deletion that is predicted to remove one amino acids from the encoded protein. The variant allele was found at a frequency of 9.7e-05 in 248014 control chromosomes, predominantly at a frequency of 0.0013 within the East Asian subpopulation in the gnomAD database. The observed variant frequency within East Asian control individuals in the gnomAD database exceeds the estimated maximal expected allele frequency for disease-causing variants in TTN. To our knowledge, no occurrence of c.44230_44232delGAA in individuals affected with TTN-related conditions and no experimental evidence demonstrating its impact on protein function have been reported. ClinVar contains an entry for this variant (Variation ID: 467240). Based on the evidence outlined above, the variant was classified as likely benign.

Molecular Diagnostic Laboratory for Inherited Cardiovascular Disease, Montreal Heart Institute
Classification: Uncertain significance for Cardiovascular phenotype. Last evaluated: 2025-07-24. Review status: criteria provided, single submitter. Criteria: ACMG Guidelines, 2015. Collection method: clinical testing. Allele origin: germline. Affected: yes.
Comment: PM4, BS1

PreventionGenetics, part of Exact Sciences
Classification: Uncertain significance for TTN-related condition. Last evaluated: 2025-03-20. Review status: criteria provided, single submitter. Criteria: ACMG Guidelines, 2015. Collection method: clinical testing. Allele origin: germline.
Comment: The TTN c.51934_51936delGAA variant is predicted to result in an in-frame deletion (p.Glu17312del). To our knowledge, this variant has not been reported in the literature. This variant is reported in 0.15% of alleles in individuals of East Asian descent in gnomAD. Although we suspect that this variant may be benign, at this time, the clinical significance of this variant is uncertain due to the absence of conclusive functional and genetic evidence.

Ambry Genetics
Classification: Likely benign for Cardiovascular phenotype. Last evaluated: 2022-10-06. Review status: criteria provided, single submitter. Criteria: Ambry Variant Classification Scheme 2023. Collection method: clinical testing. Allele origin: germline.

Mayo Clinic Laboratories, Mayo Clinic
Classification: Uncertain significance. Last evaluated: 2022-02-14. Review status: criteria provided, single submitter. Criteria: ACMG Guidelines, 2015. Collection method: clinical testing. Allele origin: germline. Observed: 2 variant alleles.

GeneDx
Classification: Likely benign. Last evaluated: 2020-03-13. Review status: criteria provided, single submitter. Criteria: GeneDx Variant Classification Process June 2021. Collection method: clinical testing. Allele origin: germline. Affected: yes.

Labcorp Genetics (formerly Invitae), Labcorp
Classification: Uncertain significance for Dilated cardiomyopathy 1G; Autosomal recessive limb-girdle muscular dystrophy type 2J. Last evaluated: 2017-04-04. Review status: criteria provided, single submitter. Criteria: Invitae Variant Classification Sherloc (09022015). Collection method: clinical testing. Allele origin: germline.

NM_001267550.2(TTN):c.51928GAA[2] (p.Glu17312del)

Genes: TTN (titin; minus strand), TTN-AS1 (TTN antisense RNA 1; plus strand). Cytogenetic location: 2q31.2.
Variant type: Microsatellite.
Coding change: c.51928GAA[2] on transcript NM_001267550.2 (MANE Select); two copies in a row of the 3-base unit GAA starting at c.51928; the reference has three copies in a row; one copy, 3 bases deleted; also written c.51934_51936del.
Protein change: p.Glu17312del; deletes glutamic acid 17312.
Molecular consequence: inframe deletion.
Genome position (GRCh38, 1-based): chr2:178,609,374-178,609,376, TTC deleted on the plus strand (GAA on the coding strand, the reverse complement: TTN is on the minus strand); deleting any 3 consecutive bases within chr2:178,609,374-178,609,384 gives the same sequence; the position shown is the placement nearest the transcript's 3' end. VCF-style (leftmost placement, unchanged base first): chr2-178609373-GTTC-G. GRCh37 (hg19) VCF-style: chr2-179474100-GTTC-G.
Other names: p.Glu14744del; c.24739_24741delGAA (NM_003319.4); c.24733GAA[2], p.Glu8247del (NM_003319.4); c.44224GAA[2], p.Glu14744del (NM_133378.4); c.25108GAA[2], p.Glu8372del (NM_133432.3); c.25309GAA[2], p.Glu8439del (NM_133437.4); c.47005GAA[2], p.Glu15671del (NM_001256850.1); c.47011_47013del (NM_001256850.1); and 5 more; short protein forms E17312del, E15671del, E8439del, E8372del, E14744del, E8247del.
Identifiers: ClinVar variation 467240 (VCV000467240.18), dbSNP rs780745206, ClinGen allele CA1994091.
Genomic context (GRCh38, chr2:178,609,373, plus strand): 5'-GAGATTCTCCCTTTTTGCTGTTGTCAATACTCAAACGCTGTGTCAGAGGCAGGACAAATG[GTTC>G]TTCTTCTTGAACTTCACCCTTCCTTCTCCTAACCAAGGGTGCTGCACGCTTCTTAATTTC-3'